The following is an entry in ClinVar:

NM_002878.4(RAD51D):c.612del (p.Val205fs)

Genes: RAD51L3-RFFL (RAD51L3-RFFL readthrough; minus strand), RAD51D (RAD51 paralog D; minus strand). Cytogenetic location: 17q12.
Variant type: Deletion.
Coding change: c.612del on transcript NM_002878.4 (MANE Select); coding-DNA position 612, one base deleted (T; older notation c.612delT).
Protein change: p.Val205fs; shifts the reading frame from valine 205.
Molecular consequence: frameshift variant. On other transcripts: non-coding transcript variant (3).
Genome position (GRCh38, 1-based): chr17:35,103,509, A deleted on the plus strand (T on the coding strand, the reverse complement: RAD51D is on the minus strand); the first of 2 consecutive A bases (chr17:35,103,509-35,103,510); deleting either gives the same sequence. VCF-style (leftmost placement, unchanged base first): chr17-35103508-CA-C. GRCh37 (hg19) VCF-style: chr17-33430527-CA-C.
Other names: c.672del, p.Val225fs (NM_001142571.2); c.276del, p.Val93fs (NM_133629.3); short protein forms V205fs, V93fs, V225fs.
Identifiers: ClinVar variation 864433 (VCV000864433.6), dbSNP rs2091564839, ClinGen allele CA916081877.

ClinVar aggregate classification (germline): Pathogenic (1 of 4 stars; one submission).

Conditions:
Breast-ovarian cancer, familial, susceptibility to, 4. Identifiers: Orphanet 145, MedGen C3280345, MONDO:0013669, OMIM 614291.

Submission:

Labcorp Genetics (formerly Invitae), Labcorp
Classification: Pathogenic for Breast-ovarian cancer, familial, susceptibility to, 4. Last evaluated: 2019-09-08. Review status: criteria provided, single submitter. Criteria: Invitae Variant Classification Sherloc (09022015). Collection method: clinical testing. Allele origin: germline.
Comment: For these reasons, this variant has been classified as Pathogenic. Loss-of-function variants in RAD51D are known to be pathogenic (PMID: 21822267). This variant has not been reported in the literature in individuals with RAD51D-related conditions. This variant is not present in population databases (ExAC no frequency). This sequence change creates a premature translational stop signal (p.Val205Trpfs*22) in the RAD51D gene. It is expected to result in an absent or disrupted protein product.

Literature cited by the submitters: PubMed 21822267.